The following is an entry in ClinVar:

NM_014639.4(SKIC3):c.1300_1301del (p.Lys434fs)

Gene: SKIC3 (SKI3 subunit of superkiller complex; minus strand). Cytogenetic location: 5q15.
Variant type: Deletion.
Coding change: c.1300_1301del on transcript NM_014639.4 (MANE Select); coding-DNA positions 1300 to 1301, 2 bases deleted (AA; older notation c.1300_1301delAA).
Protein change: p.Lys434fs; shifts the reading frame from lysine 434.
Molecular consequence: frameshift variant.
Genome position (GRCh38, 1-based): chr5:95,525,422-95,525,423, TT deleted on the plus strand (AA on the coding strand, the reverse complement: SKIC3 is on the minus strand); deleting any 2 consecutive bases within chr5:95,525,422-95,525,426 gives the same sequence; the c. name uses the placement nearest the transcript's 3' end. VCF-style (leftmost placement, unchanged base first): chr5-95525421-CTT-C. GRCh37 (hg19) VCF-style: chr5-94861125-CTT-C.
Other names: short protein forms K434fs.
Identifiers: ClinVar variation 2734751 (VCV002734751.4), dbSNP rs1376353591, ClinGen allele CA561278210.

ClinVar aggregate classification (germline): Pathogenic/Likely pathogenic. Review status: criteria provided, multiple submitters, no conflicts (2 of 4 stars). 2 submissions from 2 submitters: Pathogenic (1); Likely pathogenic (1). Last evaluated 2024-10-14.

Conditions:
TTC37-related disorders.

Submissions (2):

Blueprint Genetics
Classification: Likely pathogenic for TTC37-related disorders. Last evaluated: 2024-10-14. Review status: criteria provided, single submitter. Criteria: ACMG Guidelines, 2015. Collection method: clinical testing. Allele origin: germline. Affected: yes. Observed: 1 variant allele.

Labcorp Genetics (formerly Invitae), Labcorp
Classification: Pathogenic. Last evaluated: 2023-07-17. Review status: criteria provided, single submitter. Criteria: Invitae Variant Classification Sherloc (09022015). Collection method: clinical testing. Allele origin: germline.
Comment: For these reasons, this variant has been classified as Pathogenic. This premature translational stop signal has been observed in individual(s) with trichohepatoenteric syndrome (PMID: 20176027). This variant is present in population databases (no rsID available, gnomAD 0.0009%). This sequence change creates a premature translational stop signal (p.Lys434Glyfs*14) in the TTC37 gene. It is expected to result in an absent or disrupted protein product. Loss-of-function variants in TTC37 are known to be pathogenic (PMID: 20176027, 21120949).

Literature cited by the submitters: PubMed 20176027 (cited by Labcorp Genetics (formerly Invitae), Labcorp); PubMed 21120949 (cited by Labcorp Genetics (formerly Invitae), Labcorp).